The following is an entry in ClinVar:

NM_012431.3(SEMA3E):c.447T>A (p.Tyr149Ter)

Gene: SEMA3E (semaphorin 3E; minus strand). Cytogenetic location: 7q21.11.
Variant type: single nucleotide variant.
Coding change: c.447T>A on transcript NM_012431.3 (MANE Select); coding-DNA position 447, T replaced by A.
Protein change: p.Tyr149Ter; replaces tyrosine 149 with a stop codon.
Molecular consequence: nonsense.
Genome position (GRCh38, 1-based): chr7:83,466,491, A>T on the plus strand (T>A on the coding strand, the complement: SEMA3E is on the minus strand). VCF-style: chr7-83466491-A-T. GRCh37 (hg19) VCF-style: chr7-83095807-A-T.
Other names: c.267T>A, p.Tyr89Ter (NM_001178129.2); short protein forms Y89*, Y149*.
Identifiers: ClinVar variation 849962 (VCV000849962.3), dbSNP rs1789759019, ClinGen allele CA367935526.

ClinVar aggregate classification (germline): Uncertain significance (1 of 4 stars; one submission).

Conditions:
CHARGE syndrome (CHARGE). Also called: CHARGE ASSOCIATION--COLOBOMA, HEART ANOMALY, CHOANAL ATRESIA, RETARDATION, GENITAL AND EAR ANOMALIES; Coloboma, heart anomaly, choanal atresia, retardation, genital and ear anomalies; CHARGE association; Hall-Hittner syndrome; Hittner Hirsch Kreh syndrome. Identifiers: Orphanet 138, MedGen C0265354, MONDO:0008965.

Submission:

Labcorp Genetics (formerly Invitae), Labcorp
Classification: Uncertain significance for CHARGE syndrome. Last evaluated: 2019-02-13. Review status: criteria provided, single submitter. Criteria: Invitae Variant Classification Sherloc (09022015). Collection method: clinical testing. Allele origin: germline.
Comment: This sequence change creates a premature translational stop signal (p.Tyr149*) in the SEMA3E gene. It is expected to result in an absent or disrupted protein product. This variant is not present in population databases (ExAC no frequency). This variant has not been reported in the literature in individuals with SEMA3E-related conditions. The current clinical and genetic evidence is not sufficient to establish whether loss-of-function variants in SEMA3E cause disease. In summary, the available evidence is currently insufficient to determine the role of this variant in disease. Therefore, it has been classified as a Variant of Uncertain Significance.